The following is an entry in ClinVar:

NM_000784.4(CYP27A1):c.1130A>G (p.His377Arg)

Gene: CYP27A1 (cytochrome P450 family 27 subfamily A member 1; plus strand). Cytogenetic location: 2q35.
Variant type: single nucleotide variant.
Coding change: c.1130A>G on transcript NM_000784.4 (MANE Select); coding-DNA position 1130, A replaced by G.
Protein change: p.His377Arg; replaces histidine 377 with arginine.
Molecular consequence: missense variant.
Genome position (GRCh38, 1-based): chr2:218,814,133, A>G. VCF-style: chr2-218814133-A-G. GRCh37 (hg19) VCF-style: chr2-219678856-A-G.
Other names: c.1130A>G (NM_000784.3); short protein forms H377R.
Identifiers: ClinVar variation 2144533 (VCV002144533.3), dbSNP rs41272685, ClinGen allele CA2112810.

ClinVar aggregate classification (germline): Conflicting classifications of pathogenicity. Review status: criteria provided, conflicting classifications (1 of 4 stars). 2 submissions from 2 submitters: Uncertain significance (1); Likely benign (1). Last evaluated 2026-01-28.

Conditions:
Cardiovascular phenotype. Identifiers: MedGen CN230736.
Cholestanol storage disease (CTX). Also called: Cerebrotendinous Xanthomatosis; CEREBRAL CHOLESTERINOSIS; CTX: Cerebrotendinous xanthomatosis. Identifiers: Orphanet 909, MedGen C0238052, MONDO:0008948, OMIM 213700.

Allele frequency attached by ClinVar (database versions not stated): TOPMed below 0.00001; gnomAD 0.00001; 1000 Genomes Project 30x 0.00016; 1000 Genomes Project 0.00020.
gnomAD v4.1: 61 of 1,614,272 alleles (0.0038%); highest among the groups gnomAD compares: Non-Finnish European, 0.0042%; no homozygotes.

Submissions (2):

Labcorp Genetics (formerly Invitae), Labcorp
Classification: Uncertain significance for Cholestanol storage disease. Last evaluated: 2026-01-28. Review status: criteria provided, single submitter. Criteria: Invitae Variant Classification Sherloc (09022015). Collection method: clinical testing. Allele origin: germline.
Comment: This sequence change replaces histidine, which is basic and polar, with arginine, which is basic and polar, at codon 377 of the CYP27A1 protein (p.His377Arg). This variant is present in population databases (rs41272685, gnomAD 0.02%). This variant has not been reported in the literature in individuals affected with CYP27A1-related conditions. ClinVar contains an entry for this variant (Variation ID: 2144533). Invitae Evidence Modeling of protein sequence and biophysical properties (such as structural, functional, and spatial information, amino acid conservation, physicochemical variation, residue mobility, and thermodynamic stability) indicates that this missense variant is not expected to disrupt CYP27A1 protein function with a negative predictive value of 80%. In summary, the available evidence is currently insufficient to determine the role of this variant in disease. Therefore, it has been classified as a Variant of Uncertain Significance.

Ambry Genetics
Classification: Likely benign for Cardiovascular phenotype. Last evaluated: 2025-02-03. Review status: criteria provided, single submitter. Criteria: Ambry Variant Classification Scheme 2023. Collection method: clinical testing. Allele origin: germline.